The following is an entry in ClinVar:

ClinVar aggregate classification (germline): Uncertain significance (1 of 4 stars; one submission).

Allele frequency attached by ClinVar (database versions not stated): gnomAD exomes below 0.00001.

Submission:

Ambry Genetics
Classification: Uncertain significance. Last evaluated: 2022-08-05. Review status: criteria provided, single submitter. Criteria: Ambry Variant Classification Scheme 2023. Collection method: clinical testing. Allele origin: germline.
Comment: The p.V202M variant (also known as c.604G>A), located in coding exon 1 of the TERF2IP gene, results from a G to A substitution at nucleotide position 604. The valine at codon 202 is replaced by methionine, an amino acid with highly similar properties. This amino acid position is conserved. In addition, this alteration is predicted to be tolerated by in silico analysis. Since supporting evidence is limited at this time, the clinical significance of this alteration remains unclear.

NM_018975.4(TERF2IP):c.604G>A (p.Val202Met)

Gene: TERF2IP (TERF2 interacting protein; plus strand). Cytogenetic location: 16q23.1.
Variant type: single nucleotide variant.
Coding change: c.604G>A on transcript NM_018975.4 (MANE Select); coding-DNA position 604, G replaced by A.
Protein change: p.Val202Met; replaces valine 202 with methionine.
Molecular consequence: missense variant. On other transcripts: non-coding transcript variant (1).
Genome position (GRCh38, 1-based): chr16:75,648,486, G>A. VCF-style: chr16-75648486-G-A. GRCh37 (hg19) VCF-style: chr16-75682384-G-A.
Other names: short protein forms V202M.
Identifiers: ClinVar variation 1751273 (VCV001751273.2), dbSNP rs2507075150, ClinGen allele CA396818263.